The following is an entry in ClinVar:

ClinVar aggregate classification (germline): Uncertain significance (1 of 4 stars; one submission).

Conditions:
Ellis-van Creveld syndrome (EVC). Also called: EVC-Related Ellis-van Creveld Syndrome; EVC2-Related Ellis-van Creveld Syndrome; MESOECTODERMAL DYSPLASIA; Chondroectodermal dysplasia. Identifiers: Orphanet 289, MedGen C0013903, MONDO:0009162, OMIM 225500.
Curry-Hall syndrome (WAD). Also called: WEYERS ACRODENTAL DYSOSTOSIS. Identifiers: Orphanet 952, MedGen C0457013, MONDO:0008673, OMIM 193530.

gnomAD v4.1: 2 of 1,614,134 alleles (0.00012%); highest among the groups gnomAD compares: Non-Finnish European, 0.00017%; no homozygotes.

Submission:

Labcorp Genetics (formerly Invitae), Labcorp
Classification: Uncertain significance for Curry-Hall syndrome; Ellis-van Creveld syndrome. Last evaluated: 2025-05-24. Review status: criteria provided, single submitter. Criteria: Invitae Variant Classification Sherloc (09022015). Collection method: clinical testing. Allele origin: germline.
Comment: This sequence change replaces phenylalanine, which is neutral and non-polar, with valine, which is neutral and non-polar, at codon 1273 of the EVC2 protein (p.Phe1273Val). This variant is not present in population databases (gnomAD no frequency). This variant has not been reported in the literature in individuals affected with EVC2-related conditions. An algorithm developed to predict the effect of missense changes on protein structure and function (PolyPhen-2) suggests that this variant is likely to be disruptive. In summary, the available evidence is currently insufficient to determine the role of this variant in disease. Therefore, it has been classified as a Variant of Uncertain Significance.

NM_147127.5(EVC2):c.3817T>G (p.Phe1273Val)

Gene: EVC2 (EvC ciliary complex subunit 2; minus strand). Cytogenetic location: 4p16.2.
Variant type: single nucleotide variant.
Coding change: c.3817T>G on transcript NM_147127.5 (MANE Select); coding-DNA position 3817, T replaced by G.
Protein change: p.Phe1273Val; replaces phenylalanine 1273 with valine.
Molecular consequence: missense variant.
Genome position (GRCh38, 1-based): chr4:5,562,958, A>C on the plus strand (T>G on the coding strand, the complement: EVC2 is on the minus strand). VCF-style: chr4-5562958-A-C. GRCh37 (hg19) VCF-style: chr4-5564685-A-C.
Other names: c.3577T>G, p.Phe1193Val (NM_001166136.2); short protein forms F1273V, F1193V.
Identifiers: ClinVar variation 4790129 (VCV004790129.1).
Genomic context (GRCh38, chr4:5,562,958, plus strand): 5'-TCTTTTTCCTGGGAGGAACGTGCAGTGAGATCTCTGGCTCCTTTGGATTTCTGAATATAA[A>C]GAGCTTCTCTCCTGTGTTTAATAGATCAATGGTTTCTGCCCCTACAATGGGTACAGGGGC-3'
Protein context (NP_667338.3, residues 1263-1283): IDLLNTGEKL[Phe1273Val]IFRNPKEPEI